The following is an entry in ClinVar:

NM_000059.4(BRCA2):c.5714A>C (p.His1905Pro)

Gene: BRCA2 (BRCA2 DNA repair associated; plus strand). Cytogenetic location: 13q13.1.
Variant type: single nucleotide variant.
Coding change: c.5714A>C on transcript NM_000059.4 (MANE Select); coding-DNA position 5714, A replaced by C.
Protein change: p.His1905Pro; replaces histidine 1905 with proline.
Molecular consequence: missense variant.
Genome position (GRCh38, 1-based): chr13:32,340,069, A>C. VCF-style: chr13-32340069-A-C. GRCh37 (hg19) VCF-style: chr13-32914206-A-C.
Other names: short protein forms H1905P.
Identifiers: ClinVar variation 924315 (VCV000924315.8), dbSNP rs80358796, ClinGen allele CA387786801.

ClinVar aggregate classification (germline): Conflicting classifications of pathogenicity. Review status: criteria provided, conflicting classifications (1 of 4 stars). 3 submissions from 3 submitters: Uncertain significance (2); Likely benign (1). Last evaluated 2023-03-23.

Conditions:
Hereditary cancer-predisposing syndrome. Also called: Neoplastic Syndromes, Hereditary; Tumor predisposition; Hereditary Cancer Syndrome; Hereditary neoplastic syndrome. Identifiers: Orphanet 140162, MedGen C0027672, MeSH D009386, MONDO:0015356.
Hereditary breast ovarian cancer syndrome. Also called: Hereditary breast and ovarian cancer syndrome; BRCA1- and BRCA2-Associated Hereditary Breast and Ovarian Cancer; Hereditary breast and ovarian cancer; Hereditary breast and ovarian cancer syndrome (HBOC); Breast and ovarian cancer; Hereditary breast and/or ovarian cancer syndrome. Identifiers: Orphanet 145, MedGen C0677776, MeSH D061325, MONDO:0003582. Disease mechanism: loss of function.

Submissions (3):

University of Washington Department of Laboratory Medicine, University of Washington
Classification: Likely benign for Hereditary cancer-predisposing syndrome. Last evaluated: 2023-03-23. Review status: criteria provided, single submitter. Criteria: Dines et al. (Genet Med. 2020). Collection method: curation. Allele origin: germline.
Comment: Missense variant in a coldspot region where missense variants are very unlikely to be pathogenic (PMID:31911673).

BRCA2 exon 11 coldspot. Reclassification based on statistical prior probability.

Labcorp Genetics (formerly Invitae), Labcorp
Classification: Uncertain significance for Hereditary breast ovarian cancer syndrome. Last evaluated: 2022-07-28. Review status: criteria provided, single submitter. Criteria: Invitae Variant Classification Sherloc (09022015). Collection method: clinical testing. Allele origin: germline.
Comment: This sequence change replaces histidine, which is basic and polar, with proline, which is neutral and non-polar, at codon 1905 of the BRCA2 protein (p.His1905Pro). This variant is not present in population databases (gnomAD no frequency). This variant has not been reported in the literature in individuals affected with BRCA2-related conditions. ClinVar contains an entry for this variant (Variation ID: 924315). Advanced modeling of protein sequence and biophysical properties (such as structural, functional, and spatial information, amino acid conservation, physicochemical variation, residue mobility, and thermodynamic stability) performed at Invitae indicates that this missense variant is not expected to disrupt BRCA2 protein function. In summary, the available evidence is currently insufficient to determine the role of this variant in disease. Therefore, it has been classified as a Variant of Uncertain Significance.

Color Diagnostics, LLC DBA Color Health
Classification: Uncertain significance for Hereditary cancer-predisposing syndrome. Last evaluated: 2019-02-21. Review status: criteria provided, single submitter. Criteria: ACMG Guidelines, 2015. Collection method: clinical testing. Allele origin: germline.